The following is an entry in ClinVar:

NM_005732.4(RAD50):c.1713C>T (p.Pro571=)

Gene: RAD50 (RAD50 double strand break repair protein; plus strand). Cytogenetic location: 5q31.1.
Variant type: single nucleotide variant.
Coding change: c.1713C>T on transcript NM_005732.4 (MANE Select); coding-DNA position 1713, C replaced by T.
Protein change: p.Pro571=; no amino-acid change (proline 571 retained).
Molecular consequence: synonymous variant.
Genome position (GRCh38, 1-based): chr5:132,591,954, C>T. VCF-style: chr5-132591954-C-T. GRCh37 (hg19) VCF-style: chr5-131927646-C-T.
Identifiers: ClinVar variation 186391 (VCV000186391.17), dbSNP rs786202914, ClinGen allele CA194692.
Genomic context (GRCh38, chr5:132,591,954, plus strand): 5'-AATCAGAAAAATAAAATCTAGGCACAGTGATGAATTAACCTCACTGTTGGGATATTTTCC[C>T]AACAAAAAACAGCTTGAAGACTGGCTACATAGTAAATCAAAAGAAATTAATCAGACCAGG-3'
Protein context (NP_005723.2, residues 561-581): DELTSLLGYF[Pro571=]NKKQLEDWLH

ClinVar aggregate classification (germline): Likely benign. Review status: criteria provided, multiple submitters, no conflicts (2 of 4 stars). 3 submissions from 3 submitters: Likely benign (2). 1 of the submissions does not count toward it. Last evaluated 2025-11-17.

Conditions:
RAD50-related disorder. Also called: RAD50-related condition.
Hereditary cancer-predisposing syndrome. Also called: Neoplastic Syndromes, Hereditary; Tumor predisposition; Hereditary Cancer Syndrome; Hereditary neoplastic syndrome. Identifiers: Orphanet 140162, MedGen C0027672, MeSH D009386, MONDO:0015356.

Allele frequency attached by ClinVar (database versions not stated): gnomAD exomes below 0.00001.
gnomAD v4.1: 18 of 1,610,696 alleles (0.0011%); highest among the groups gnomAD compares: Non-Finnish European, 0.0015%; no homozygotes.

Submissions (3):

Labcorp Genetics (formerly Invitae), Labcorp
Classification: Likely benign for Hereditary cancer-predisposing syndrome. Last evaluated: 2025-11-17. Review status: criteria provided, single submitter. Criteria: Invitae Variant Classification Sherloc (09022015). Collection method: clinical testing. Allele origin: germline.

Ambry Genetics
Classification: Likely benign for Hereditary cancer-predisposing syndrome. Last evaluated: 2014-10-06. Review status: criteria provided, single submitter. Criteria: Ambry Variant Classification Scheme 2023. Collection method: clinical testing. Allele origin: germline.

PreventionGenetics, part of Exact Sciences
Classification: Likely benign for RAD50-related condition. Last evaluated: 2024-08-22. Review status: no assertion criteria provided. Collection method: clinical testing. Allele origin: germline. Not counted in ClinVar's aggregate classification.
Comment: This variant is classified as likely benign based on ACMG/AMP sequence variant interpretation guidelines (Richards et al. 2015 PMID: 25741868, with internal and published modifications).